The following is an entry in ClinVar:

ClinVar aggregate classification (germline): Uncertain significance (1 of 4 stars; one submission).

gnomAD v4.1: 52 of 1,610,874 alleles (0.0032%); highest among the groups gnomAD compares: Non-Finnish European, 0.0043%; no homozygotes.

Submission:

Women's Health and Genetics/Laboratory Corporation of America, LabCorp
Classification: Uncertain significance. Last evaluated: 2024-11-18. Review status: criteria provided, single submitter. Criteria: LabCorp Variant Classification Summary - May 2015. Collection method: clinical testing. Allele origin: germline.
Comment: Variant summary: SLC34A3 c.-18T>C is located in the untranslated mRNA region upstream of the initiation codon. The variant allele was found at a frequency of 8e-06 in 250696 control chromosomes. The available data on variant occurrences in the general population are insufficient to allow any conclusion about variant significance. To our knowledge, no occurrence of c.-18T>C in individuals affected with Hereditary Hypophosphatemic Rickets With Hypercalciuria and no experimental evidence demonstrating its impact on protein function have been reported. No submitters have cited clinical-significance assessments for this variant to ClinVar. Based on the evidence outlined above, the variant was classified as uncertain significance.

NM_001177316.2(SLC34A3):c.-18T>C

Gene: SLC34A3 (solute carrier family 34 member 3; plus strand). Cytogenetic location: 9q34.3.
Variant type: single nucleotide variant.
Coding change: c.-18T>C on transcript NM_001177316.2 (MANE Select); 18 bases upstream of the start codon, T replaced by C.
Molecular consequence: 5 prime UTR variant.
Genome position (GRCh38, 1-based): chr9:137,231,685, T>C. VCF-style: chr9-137231685-T-C. GRCh37 (hg19) VCF-style: chr9-140126137-T-C.
Other names: c.-18T>C (NM_001177317.2, NM_080877.3).
Identifiers: ClinVar variation 3630027 (VCV003630027.1).